The following is an entry in ClinVar:

ClinVar aggregate classification (germline): Pathogenic. Review status: reviewed by expert panel (3 of 4 stars). 14 submissions from 14 submitters: Pathogenic (1). 13 of the submissions do not count toward it. Last evaluated 2019-06-18.

Conditions:
Inherited breast cancer and ovarian cancer.
Breast-ovarian cancer, familial, susceptibility to, 1 (BROVCA1). Also called: BRCA1 Hereditary Breast and Ovarian Cancer; OVARIAN CANCER, SUSCEPTIBILITY TO. Identifiers: Orphanet 145, MedGen C2676676, MONDO:0011450, OMIM 604370. Disease mechanism: loss of function.
Hereditary cancer-predisposing syndrome. Also called: Hereditary Cancer Syndrome; Hereditary neoplastic syndrome; Neoplastic Syndromes, Hereditary; Tumor predisposition. Identifiers: Orphanet 140162, MedGen C0027672, MeSH D009386, MONDO:0015356.
Hereditary breast ovarian cancer syndrome. Also called: BRCA1- and BRCA2-Associated Hereditary Breast and Ovarian Cancer; Hereditary breast and ovarian cancer syndrome; Hereditary breast and ovarian cancer syndrome (HBOC); Breast and ovarian cancer; Hereditary breast and/or ovarian cancer syndrome; Hereditary breast and ovarian cancer. Identifiers: Orphanet 145, MedGen C0677776, MeSH D061325, MONDO:0003582. Disease mechanism: loss of function.

Allele frequency attached by ClinVar (database versions not stated): ExAC 0.00001; gnomAD exomes below 0.00001.
gnomAD v4.1: 2 of 1,601,044 alleles (0.00012%); highest among the groups gnomAD compares: Non-Finnish European, 0.00017%; no homozygotes.

Submissions 1 to 9 of 14:

Evidence-based Network for the Interpretation of Germline Mutant Alleles (ENIGMA)
Classification: Pathogenic for Breast-ovarian cancer, familial, susceptibility to, 1. Last evaluated: 2019-06-18. Review status: reviewed by expert panel. Criteria: ENIGMA BRCA1/2 Classification Criteria (2017-06-29). Collection method: curation. Allele origin: germline.
Comment: IARC class based on posterior probability from multifactorial likelihood analysis, thresholds for class as per Plon et al. 2008 (PMID: 18951446). Class 5 based on posterior probability = 0.990586

Genetics Laboratory, Great Ormond Street Hospital NHS Foundation Trust, North Thames Genomic Laboratory Hub
Classification: Pathogenic for Inherited breast cancer and ovarian cancer. Last evaluated: 2026-02-05. Review status: criteria provided, single submitter. Criteria: CanVIG BRCA Gene Specific V1.22. Collection method: clinical testing. Allele origin: germline. Affected: yes. Not counted in ClinVar's aggregate classification.
Comment: PS4_supporting, PM2_supporting, PVS1_very-strong, PP4_supporting

Labcorp Genetics (formerly Invitae), Labcorp
Classification: Pathogenic for Hereditary breast ovarian cancer syndrome. Last evaluated: 2026-01-18. Review status: criteria provided, single submitter. Criteria: Invitae Variant Classification Sherloc (09022015). Collection method: clinical testing. Allele origin: germline. Not counted in ClinVar's aggregate classification.
Comment: This sequence change affects a donor splice site in intron 7 of the BRCA1 gene. It is expected to disrupt RNA splicing. Variants that disrupt the donor or acceptor splice site typically lead to a loss of protein function (PMID: 16199547), and loss-of-function variants in BRCA1 are known to be pathogenic (PMID: 20104584). This variant is not present in population databases (gnomAD no frequency). Disruption of this splice site has been observed in individual(s) with breast and/or ovarian cancer (PMID: 12960223, 22333603, 26534844). This variant is also known as c.666+1G>T. ClinVar contains an entry for this variant (Variation ID: 55590). Based on a multifactorial likelihood algorithm using genetic, in silico, and/or statistical data, this variant has been determined to have a high probability of being pathogenic (PMID: 31131967). Studies have shown that disruption of this splice site is associated with inconclusive levels of altered splicing (internal data). For these reasons, this variant has been classified as Pathogenic.

Women's Health and Genetics/Laboratory Corporation of America, LabCorp
Classification: Pathogenic for Hereditary breast ovarian cancer syndrome. Last evaluated: 2025-12-18. Review status: criteria provided, single submitter. Criteria: LabCorp Variant Classification Summary - May 2015. Collection method: clinical testing. Allele origin: germline. Not counted in ClinVar's aggregate classification.
Comment: Variant summary: BRCA1 c.547+1G>T is located in a canonical splice-site and is predicted to affect mRNA splicing resulting in a significantly altered protein due to either exon skipping, shortening, or inclusion of intronic material. Variants that disrupt the consensus splice site are a relatively common cause of aberrant splicing and loss of BRCA1 function. Several computational tools predict a significant impact on normal splicing: Four predict the variant abolishes a 5' splicing donor site. However, these predictions have yet to be confirmed by functional studies. The variant allele was found at a frequency of 1.2e-06 in 1601044 control chromosomes. c.547+1G>T has been observed in multiple individuals affected with Hereditary Breast And Ovarian Cancer Syndrome (e.g. Evans_2003, Li_2016, Rebbeck_2018, Park_2020). These data indicate that the variant is very likely to be associated with disease. To our knowledge, no experimental evidence demonstrating an impact on protein function has been reported. The following publications have been ascertained in the context of this evaluation (PMID: 12960223, 26534844, 29446198, 32554602). ClinVar contains an entry for this variant (Variation ID: 55590). Based on the evidence outlined above, the variant was classified as pathogenic.

Color Diagnostics, LLC DBA Color Health
Classification: Pathogenic for Hereditary cancer-predisposing syndrome. Last evaluated: 2025-12-15. Review status: criteria provided, single submitter. Criteria: ACMG Guidelines, 2015. Collection method: clinical testing. Allele origin: germline. Not counted in ClinVar's aggregate classification.
Comment: This variant causes a G>T nucleotide substitution at the +1 position of intron 7 of the BRCA1 gene. Splice site prediction tools predict that this variant may have a significant impact on RNA splicing. To our knowledge, functional studies have not been performed for this variant. This variant has been reported in suspected hereditary breast/ovarian cancer families (PMID: 12960223, 26534844, 29446198). Multifactorial analysis reached a combined likelihood ratio (LR) of 11.062 based on segregation and tumor pathology data and the personal and family history for one carrier (PMID: 31131967, 31853058). This variant has not been identified in 2/1601044 chromoses in the general population by the Genome Aggregation Database (gnomAD). Loss of BRCA1 function is a known mechanism of disease. Based on the available evidence, this variant is classified as Pathogenic.

Molecular Pathology, Peter Maccallum Cancer Centre
Classification: Pathogenic for Breast-ovarian cancer, familial, susceptibility to, 1. Last evaluated: 2025-03-18. Review status: criteria provided, single submitter. Criteria: ACMG Guidelines, 2015. Collection method: clinical testing. Allele origin: germline. Inheritance: Autosomal dominant inheritance. Not counted in ClinVar's aggregate classification.

Quest Diagnostics Nichols Institute San Juan Capistrano
Classification: Pathogenic. Last evaluated: 2024-07-11. Review status: criteria provided, single submitter. Criteria: Quest Diagnostics criteria. Collection method: clinical testing. Allele origin: unknown. Not counted in ClinVar's aggregate classification.
Comment: The BRCA1 c.547+1G>T variant disrupts a canonical splice-donor site and interferes with normal BRCA1 mRNA splicing. This variant has been reported in the published literature in individuals and families with breast and/or ovarian cancer (PMID: 12960223 (2003), 22333603 (2012), 26534844 (2016)). This variant was also reported as being pathogenic in a multifactorial likelihood study (PMID: 31131967 (2019)). The frequency of this variant in the general population, 0.000004 (1/251436 chromosomes (Genome Aggregation Database)), is consistent with pathogenicity. Based on the available information, this variant is classified as pathogenic.

Baylor Genetics
Classification: Pathogenic for Breast-ovarian cancer, familial, susceptibility to, 1. Last evaluated: 2023-10-29. Review status: criteria provided, single submitter. Criteria: ACMG Guidelines, 2015. Collection method: clinical testing. Allele origin: unknown. Not counted in ClinVar's aggregate classification.

Ambry Genetics
Classification: Pathogenic for Hereditary cancer-predisposing syndrome. Last evaluated: 2023-07-13. Review status: criteria provided, single submitter. Criteria: Ambry Variant Classification Scheme 2023. Collection method: clinical testing. Allele origin: germline. Not counted in ClinVar's aggregate classification.
Comment: The c.547+1G>T intronic pathogenic mutation results from a G to T substitution one nucleotide after coding exon 6 of the BRCA1 gene. This alteration was previously reported in families with HBOC (Evans DG et al. J. Med. Genet. 2003 Sep; 40(9):e107; Rebbeck TR et al. Hum. Mutat. 2018 May;39:593-620). This alteration was also classified as pathogenic in a multifactorial model of variant interpretation that incorporates co-segregation, family history, co-occurrence, tumor pathology and case-control data (Parsons MT et al. Hum Mutat 2019 09;40(9):1557-1578). This nucleotide position is highly conserved in available vertebrate species. In silico splice site analysis predicts that this alteration will weaken the native splice donor site. RNA studies have demonstrated that this alteration results in abnormal splicing in the set of samples tested (Ambry internal data). A close match alteration at the same canonical donor site, BRCA1 c.547+2T>A, also causes skipping of coding exon 6 (designated as exon 8 in the literature) which will produce an out-of-frame transcript with a predicted premature stop codon (Pyne MT et al. Mutat. Res. 1999 Aug;406:101-7; Houdayer C et al. Hum. Mutat. 2012 Aug;33:1228-38; Colombo M et al. PLoS ONE 2013 Feb;8:e57173). Based on the supporting evidence, this alteration is interpreted as a disease-causing mutation

NM_007294.4(BRCA1):c.547+1G>T

Gene: BRCA1 (BRCA1 DNA repair associated; minus strand). Cytogenetic location: 17q21.31.
Variant type: single nucleotide variant.
Coding change: c.547+1G>T on transcript NM_007294.4 (MANE Select); the canonical splice donor site of the intron after coding-DNA position 547, G replaced by T.
Molecular consequence: splice donor variant. On other transcripts: intron variant (2).
Genome position (GRCh38, 1-based): chr17:43,099,774, C>A on the plus strand (G>T on the coding strand, the complement: BRCA1 is on the minus strand). VCF-style: chr17-43099774-C-A. GRCh37 (hg19) VCF-style: chr17-41251791-C-A.
Other names: IVS8+1G>T; c.466+1G>T (NM_001407874.1, NM_001408416.1, NM_001408413.1 and 6 more transcripts); c.334+1G>T (NM_001407571.1, NM_001407917.1, NM_001407956.1 and 18 more transcripts); c.337+1G>T (NM_001407950.1, NM_001407948.1, NM_001408484.1 and 37 more transcripts); c.544+1G>T (NM_001408450.1, NM_001408434.1, NM_001407672.1 and 65 more transcripts); c.547+1G>T (NM_001408440.1, NM_001408428.1, NM_001407678.1 and 96 more transcripts); c.403+1G>T (NM_001408462.1, NM_001407849.1, NM_001407845.1 and 35 more transcripts); c.469+1G>T (NM_001408414.1, NM_001408411.1, NM_001407655.1 and 12 more transcripts); and 6 more.
Identifiers: ClinVar variation 55590 (VCV000055590.35), dbSNP rs80358030, ClinGen allele CA003633.